The following is an entry in ClinVar:

ClinVar aggregate classification (germline): Uncertain significance. Review status: criteria provided, multiple submitters, no conflicts (2 of 4 stars). 2 submissions from 2 submitters: Uncertain significance (2). Last evaluated 2025-11-24.

Conditions:
Cardiovascular phenotype. Identifiers: MedGen CN230736.
Dilated cardiomyopathy 1II (CMD1II). Identifiers: Orphanet 154, MedGen C3554649, MONDO:0014073, OMIM 615184.

Allele frequency attached by ClinVar (database versions not stated): ExAC 0.00001.

Submissions (2):

Ambry Genetics
Classification: Uncertain significance for Cardiovascular phenotype. Last evaluated: 2025-11-24. Review status: criteria provided, single submitter. Criteria: Ambry Variant Classification Scheme 2023. Collection method: clinical testing. Allele origin: germline.
Comment: The p.L44M variant (also known as c.130C>A), located in coding exon 1 of the CRYAB gene, results from a C to A substitution at nucleotide position 130. The leucine at codon 44 is replaced by methionine, an amino acid with highly similar properties. This amino acid position is well conserved in available vertebrate species. In addition, the in silico prediction for this alteration is inconclusive. Since supporting evidence is limited at this time, the clinical significance of this alteration remains unclear.

Labcorp Genetics (formerly Invitae), Labcorp
Classification: Uncertain significance for Dilated cardiomyopathy 1II. Last evaluated: 2025-04-27. Review status: criteria provided, single submitter. Criteria: Invitae Variant Classification Sherloc (09022015). Collection method: clinical testing. Allele origin: germline.
Comment: This sequence change replaces leucine, which is neutral and non-polar, with methionine, which is neutral and non-polar, at codon 44 of the CRYAB protein (p.Leu44Met). This variant is not present in population databases (gnomAD no frequency). This variant has not been reported in the literature in individuals affected with CRYAB-related conditions. ClinVar contains an entry for this variant (Variation ID: 1769610). An algorithm developed to predict the effect of missense changes on protein structure and function (PolyPhen-2) suggests that this variant is likely to be tolerated. In summary, the available evidence is currently insufficient to determine the role of this variant in disease. Therefore, it has been classified as a Variant of Uncertain Significance.

NM_001289808.2(CRYAB):c.130C>A (p.Leu44Met)

Gene: CRYAB (crystallin alpha B; minus strand). Cytogenetic location: 11q23.1.
Variant type: single nucleotide variant.
Coding change: c.130C>A on transcript NM_001289808.2 (MANE Select); coding-DNA position 130, C replaced by A.
Protein change: p.Leu44Met; replaces leucine 44 with methionine.
Molecular consequence: missense variant.
Genome position (GRCh38, 1-based): chr11:111,911,595, G>T on the plus strand (C>A on the coding strand, the complement: CRYAB is on the minus strand). VCF-style: chr11-111911595-G-T. GRCh37 (hg19) VCF-style: chr11-111782319-G-T.
Other names: c.130C>A, p.Leu44Met (NM_001289807.1, NM_001368245.1, NM_001885.3); short protein forms L44M.
Identifiers: ClinVar variation 1769610 (VCV001769610.6), dbSNP rs782720245, ClinGen allele CA6275565.